The following is an entry in ClinVar:

NM_005591.4(MRE11):c.530C>A (p.Ala177Glu)

Gene: MRE11 (MRE11 double strand break repair nuclease; minus strand). Cytogenetic location: 11q21.
Variant type: single nucleotide variant.
Coding change: c.530C>A on transcript NM_005591.4 (MANE Select); coding-DNA position 530, C replaced by A.
Protein change: p.Ala177Glu; replaces alanine 177 with glutamic acid.
Molecular consequence: missense variant. On other transcripts: intron variant (3).
Genome position (GRCh38, 1-based): chr11:94,478,749, G>T on the plus strand (C>A on the coding strand, the complement: MRE11 is on the minus strand). VCF-style: chr11-94478749-G-T. GRCh37 (hg19) VCF-style: chr11-94211915-G-T.
Other names: c.530C>A, p.Ala177Glu (NM_001330347.2, NM_001440460.1, NM_001440461.1 and 18 more transcripts); c.455C>A, p.Ala152Glu (NM_001440471.1, NM_001440472.1, NM_001440479.1); c.62C>A, p.Ala21Glu (NM_001440485.1, NM_001440486.1, NM_001440487.1); c.315-6990C>A (NM_001440483.1, NM_001440484.1, NM_001440482.1); short protein forms A152E, A177E, A21E.
Identifiers: ClinVar variation 4651033 (VCV004651033.1).
Genomic context (GRCh38, chr11:94,478,749, plus strand): 5'-TAAAGAATCACACATGGACATAAACAGTAAAATAAAACTGTCTTACCTAAACCATATAGC[G>T]CAATCTTTGTGCTTCCTTTTTGAAGCAAAACCGGACTAATGTCTATCTTCTCCACAGACA-3'
Protein context (NP_005582.1, residues 167-187): VLLQKGSTKI[Ala177Glu]LYGLGSIPDE

ClinVar aggregate classification (germline): Uncertain significance (1 of 4 stars; one submission).

Conditions:
Hereditary cancer-predisposing syndrome. Also called: Neoplastic Syndromes, Hereditary; Tumor predisposition; Hereditary Cancer Syndrome; Hereditary neoplastic syndrome. Identifiers: Orphanet 140162, MedGen C0027672, MeSH D009386, MONDO:0015356.

gnomAD v4.1: 1 of 1,612,528 alleles (0.000062%); highest among the groups gnomAD compares: Admixed American, 0.0017%; no homozygotes.

Submission:

Ambry Genetics
Classification: Uncertain significance for Hereditary cancer-predisposing syndrome. Last evaluated: 2025-10-05. Review status: criteria provided, single submitter. Criteria: Ambry Variant Classification Scheme 2023. Collection method: clinical testing. Allele origin: germline.
Comment: The p.A177E variant (also known as c.530C>A), located in coding exon 5 of the MRE11A gene, results from a C to A substitution at nucleotide position 530. The alanine at codon 177 is replaced by glutamic acid, an amino acid with dissimilar properties. This amino acid position is conserved. In addition, this alteration is predicted to be deleterious by in silico analysis. Based on the available evidence, the clinical significance of this variant remains unclear.